The following is an entry in ClinVar:

NM_001735.3(C5):c.4143C>A (p.Ile1381=)

Gene: C5 (complement C5; minus strand). Cytogenetic location: 9q33.2.
Variant type: single nucleotide variant.
Coding change: c.4143C>A on transcript NM_001735.3 (MANE Select); coding-DNA position 4143, C replaced by A.
Protein change: p.Ile1381=; no amino-acid change (isoleucine 1381 retained).
Molecular consequence: synonymous variant.
Genome position (GRCh38, 1-based): chr9:120,970,189, G>T on the plus strand (C>A on the coding strand, the complement: C5 is on the minus strand). VCF-style: chr9-120970189-G-T. GRCh37 (hg19) VCF-style: chr9-123732467-G-T.
Other names: c.4161C>A, p.Ile1387= (NM_001317163.2).
Identifiers: ClinVar variation 1049928 (VCV001049928.3), dbSNP rs150804933, ClinGen allele CA5217287.

ClinVar aggregate classification (germline): Uncertain significance. Review status: criteria provided, multiple submitters, no conflicts (2 of 4 stars). 3 submissions from 3 submitters: Uncertain significance (2). 1 of the submissions does not count toward it. Last evaluated 2026-01-12.

Conditions:
Complement component 5 deficiency. Also called: C5 DEFICIENCY. Identifiers: MedGen C0343047, MONDO:0012295, OMIM 609536.
Eculizumab, poor response to. Identifiers: MedGen C3810402, OMIM 615749.

gnomAD v4.1: 21 of 1,612,246 alleles (0.0013%); highest among the groups gnomAD compares: Admixed American, 0.027%; no homozygotes.

Submissions (3):

Labcorp Genetics (formerly Invitae), Labcorp
Classification: Uncertain significance. Last evaluated: 2026-01-12. Review status: criteria provided, single submitter. Criteria: Invitae Variant Classification Sherloc (09022015). Collection method: clinical testing. Allele origin: germline.
Comment: This sequence change affects codon 1381 of the C5 mRNA. It is a 'silent' change, meaning that it does not change the encoded amino acid sequence of the C5 protein. This variant is present in population databases (rs150804933, gnomAD 0.04%). This variant has not been reported in the literature in individuals affected with C5-related conditions. ClinVar contains an entry for this variant (Variation ID: 1049928). Algorithms developed to predict the effect of sequence changes on RNA splicing suggest that this variant may disrupt the consensus splice site. In summary, the available evidence is currently insufficient to determine the role of this variant in disease. Therefore, it has been classified as a Variant of Uncertain Significance.

Fulgent Genetics
Classification: Uncertain significance for Complement component 5 deficiency; Eculizumab, poor response to. Last evaluated: 2021-07-07. Review status: criteria provided, single submitter. Criteria: ACMG Guidelines, 2015. Collection method: clinical testing. Allele origin: unknown.

Department of Pathology and Laboratory Medicine, Sinai Health System
Classification: Uncertain significance. Review status: no assertion criteria provided. Collection method: clinical testing. Allele origin: unknown. Affected: yes. Study: The Canadian Open Genetics Repository (COGR). Not counted in ClinVar's aggregate classification.
Comment: The C5 p.Ile1387Ile variant was not identified in the literature nor was it identified in ClinVar, Cosmic, or LOVD 3.0. The variant was identified in dbSNP (ID: rs150804933) and in control databases in 15 of 251088 chromosomes at a frequency of 0.00006 (Genome Aggregation Database Feb 27, 2017). The variant was observed in the following populations: Other in 3 of 6120 chromosomes (freq: 0.00049), Latino in 11 of 34560 chromosomes (freq: 0.000318) and European (Finnish) in 1 of 21574 chromosomes (freq: 0.000046), while the variant was not observed in the African, Ashkenazi Jewish, East Asian, European (non-Finnish) or South Asian populations. The p.Ile1387Ile variant is not expected to have clinical significance because it does not result in a change of amino acid and is not located in a known consensus splice site. However, two of four in silico or computational prediction software programs (SpliceSiteFinder, MaxEntScan) predict a greater than 10% difference in splicing. This information is not predictive enough to assume pathogenicity. In summary, based on the above information the clinical significance of this variant cannot be determined with certainty at this time. This variant is classified as a variant of uncertain significance.